The following is an entry in ClinVar:

NM_001145308.5(LRTOMT):c.-321-29G>A

Genes: LRRC51 (leucine rich repeat containing 51; plus strand), LRTOMT (leucine rich transmembrane and O-methyltransferase domain containing; plus strand). Cytogenetic location: 11q13.4.
Variant type: single nucleotide variant.
Coding change: c.-321-29G>A on transcript NM_001145308.5; 29 bases into the intron before 321 bases upstream of the start codon, G replaced by A.
Molecular consequence: intron variant.
Genome position (GRCh38, 1-based): chr11:72,093,467, G>A. VCF-style: chr11-72093467-G-A. GRCh37 (hg19) VCF-style: chr11-71804513-G-A.
Other names: c.-321-29G>A (NM_001145309.4, NM_001145310.4); c.83-29G>A (NM_001271471.3, NM_145309.6, NM_001145307.5 and 1 more transcripts); c.29-29G>A (NM_001205138.4).
Identifiers: ClinVar variation 682806 (VCV000682806.1), dbSNP rs2250866, ClinGen allele CA6168143.

ClinVar aggregate classification (germline): Benign (1 of 4 stars; one submission).

Allele frequency attached by ClinVar (database versions not stated): gnomAD exomes 0.07004 and 0.10564; ESP Exome Variant Server 0.09727; gnomAD 0.11173 and 0.11457; TOPMed 0.12180; ExAC 0.16683; 1000 Genomes Project 30x 0.17286; 1000 Genomes Project 0.17412.
gnomAD v4.1: 118,743 of 1,588,678 alleles (7.5%); highest among the groups gnomAD compares: East Asian, 23%; 6,427 homozygotes.

Submission:

GeneDx
Classification: Benign. Last evaluated: 2018-06-16. Review status: criteria provided, single submitter. Criteria: GeneDx Variant Classification (06012015). Collection method: clinical testing. Allele origin: germline. Affected: yes.
Comment: This variant is considered likely benign or benign based on one or more of the following criteria: it is a conservative change, it occurs at a poorly conserved position in the protein, it is predicted to be benign by multiple in silico algorithms, and/or has population frequency not consistent with disease.